The following is an entry in ClinVar:

NM_144999.4(LRRC45):c.1361G>A (p.Arg454Gln)

Gene: LRRC45 (leucine rich repeat containing 45; plus strand). Cytogenetic location: 17q25.3.
Variant type: single nucleotide variant.
Coding change: c.1361G>A on transcript NM_144999.4 (MANE Select); coding-DNA position 1361, G replaced by A.
Protein change: p.Arg454Gln; replaces arginine 454 with glutamine.
Molecular consequence: missense variant.
Genome position (GRCh38, 1-based): chr17:82,029,145, G>A. VCF-style: chr17-82029145-G-A. GRCh37 (hg19) VCF-style: chr17-79987021-G-A.
Other names: c.1361G>A (NM_144999.3); short protein forms R454Q.
Identifiers: ClinVar variation 2390986 (VCV002390986.3), dbSNP rs753845516, ClinGen allele CA8848064.

ClinVar aggregate classification (germline): Uncertain significance. Review status: criteria provided, single submitter (1 of 4 stars). 2 submissions from 2 submitters: Uncertain significance (1). 1 of the submissions does not count toward it. Last evaluated 2022-08-26.

Conditions:
LRRC45-related disorder. Also called: LRRC45-related condition.

Allele frequency attached by ClinVar (database versions not stated): gnomAD 0.00002.

Submissions (2):

Ambry Genetics
Classification: Uncertain significance. Last evaluated: 2022-08-26. Review status: criteria provided, single submitter. Criteria: Ambry Variant Classification Scheme 2023. Collection method: clinical testing. Allele origin: germline.

PreventionGenetics, part of Exact Sciences
Classification: Uncertain significance for LRRC45-related condition. Last evaluated: 2024-08-13. Review status: no assertion criteria provided. Collection method: clinical testing. Allele origin: germline. Not counted in ClinVar's aggregate classification.
Comment: The LRRC45 c.1361G>A variant is predicted to result in the amino acid substitution p.Arg454Gln. To our knowledge, this variant has not been reported in the literature. This variant is reported in 0.0081% of alleles in individuals of African descent in gnomAD. At this time, the clinical significance of this variant is uncertain due to the absence of conclusive functional and genetic evidence.